The following is an entry in ClinVar:

NM_001267550.2(TTN):c.6852A>C (p.Gly2284=)

Genes: TTN (titin; minus strand), LOC126806433 (BRD4-independent group 4 enhancer GRCh37_chr2:179638309-179639508; plus strand). Cytogenetic location: 2q31.2.
Variant type: single nucleotide variant.
Coding change: c.6852A>C on transcript NM_001267550.2 (MANE Select); coding-DNA position 6852, A replaced by C.
Protein change: p.Gly2284=; no amino-acid change (glycine 2284 retained).
Molecular consequence: synonymous variant.
Genome position (GRCh38, 1-based): chr2:178,774,412, T>G on the plus strand (A>C on the coding strand, the complement: TTN is on the minus strand). VCF-style: chr2-178774412-T-G. GRCh37 (hg19) VCF-style: chr2-179639139-T-G.
Other names: c.6852A>C, p.Gly2284= (NM_001256850.1, NM_133378.4, NM_133379.5); c.6714A>C, p.Gly2238= (NM_003319.4, NM_133432.3, NM_133437.4).
Identifiers: ClinVar variation 4823040 (VCV004823040.4).

ClinVar aggregate classification (germline): Likely benign (1 of 4 stars; one submission).

gnomAD v4.1: 1 of 1,613,900 alleles (0.000062%); highest among the groups gnomAD compares: Non-Finnish European, 0.000085%; no homozygotes.

Submission:

CeGaT Center for Human Genetics Tuebingen
Classification: Likely benign. Last evaluated: 2026-01-01. Review status: criteria provided, single submitter. Criteria: CeGaT Center For Human Genetics Tuebingen Variant Classification Criteria Version 2. Collection method: clinical testing. Allele origin: germline. Affected: yes. Observed: 1 variant allele.
Comment: TTN: BP4, BP7